The following is an entry in ClinVar:

ClinVar aggregate classification (germline): Uncertain significance (1 of 4 stars; one submission).

Conditions:
Aortic aneurysm, familial thoracic 4 (AAT4). Also called: AORTIC ANEURYSM/AORTIC DISSECTION AND PATENT DUCTUS ARTERIOSUS. Identifiers: MedGen C1851504, MONDO:0007568, OMIM 132900.

gnomAD v4.1: 2 of 1,614,160 alleles (0.00012%); highest among the groups gnomAD compares: Non-Finnish European, 0.00017%; no homozygotes.

Submission:

Labcorp Genetics (formerly Invitae), Labcorp
Classification: Uncertain significance for Aortic aneurysm, familial thoracic 4. Last evaluated: 2023-12-19. Review status: criteria provided, single submitter. Criteria: Invitae Variant Classification Sherloc (09022015). Collection method: clinical testing. Allele origin: germline.
Comment: This sequence change replaces lysine, which is basic and polar, with asparagine, which is neutral and polar, at codon 574 of the MYH11 protein (p.Lys574Asn). This variant is not present in population databases (gnomAD no frequency). This variant has not been reported in the literature in individuals affected with MYH11-related conditions. ClinVar contains an entry for this variant (Variation ID: 862371). Advanced modeling of protein sequence and biophysical properties (such as structural, functional, and spatial information, amino acid conservation, physicochemical variation, residue mobility, and thermodynamic stability) performed at Invitae indicates that this missense variant is not expected to disrupt MYH11 protein function with a negative predictive value of 95%. In summary, the available evidence is currently insufficient to determine the role of this variant in disease. Therefore, it has been classified as a Variant of Uncertain Significance.

NM_002474.3(MYH11):c.1701G>T (p.Lys567Asn)

Gene: MYH11 (myosin heavy chain 11; minus strand). Cytogenetic location: 16p13.11.
Variant type: single nucleotide variant.
Coding change: c.1701G>T on transcript NM_002474.3 (MANE Select); coding-DNA position 1701, G replaced by T.
Protein change: p.Lys567Asn; replaces lysine 567 with asparagine.
Molecular consequence: missense variant.
Genome position (GRCh38, 1-based): chr16:15,756,389, C>A on the plus strand (G>T on the coding strand, the complement: MYH11 is on the minus strand). VCF-style: chr16-15756389-C-A. GRCh37 (hg19) VCF-style: chr16-15850246-C-A.
Other names: c.1722G>T, p.Lys574Asn (NM_001040113.2, NM_001040114.2); c.1701G>T, p.Lys567Asn (NM_022844.3); short protein forms K567N, K574N.
Identifiers: ClinVar variation 862371 (VCV000862371.9), dbSNP rs1415327075, ClinGen allele CA394870341.